The following is an entry in ClinVar:

ClinVar aggregate classification (germline): Uncertain significance. Review status: criteria provided, single submitter (1 of 4 stars). 2 submissions from 2 submitters: Uncertain significance (1). 1 of the submissions does not count toward it. Last evaluated 2020-02-02.

Conditions:
Alpha thalassemia-X-linked intellectual disability syndrome (ATRX). Also called: ALPHA-THALASSEMIA/MENTAL RETARDATION SYNDROME, X-LINKED; ATR, NONDELETION TYPE; ATR-X syndrome; Alpha thalassemia mental retardation syndrome, nondeletion type, X-linked; XLMR hypotonic face syndrome; X-linked alpha-thalassemia-mental retardation syndrome. Identifiers: Orphanet 847, MedGen C1845055, MONDO:0010519, OMIM 301040.

Submissions (2):

Labcorp Genetics (formerly Invitae), Labcorp
Classification: Uncertain significance for Alpha thalassemia-X-linked intellectual disability syndrome. Last evaluated: 2020-02-02. Review status: criteria provided, single submitter. Criteria: Invitae Variant Classification Sherloc (09022015). Collection method: clinical testing. Allele origin: germline.
Comment: This sequence change affects the initiator methionine of the ATRX mRNA. The next in-frame methionine is located at codon 6. This variant is not present in population databases (ExAC no frequency). This variant has not been reported in the literature in individuals with ATRX-related conditions. Algorithms developed to predict the effect of sequence changes on RNA splicing suggest that this variant may create or strengthen a splice site, but this prediction has not been confirmed by published transcriptional studies. In summary, the available evidence is currently insufficient to determine the role of this variant in disease. Therefore, it has been classified as a Variant of Uncertain Significance.

Natera, Inc.
Classification: Uncertain significance for X-linked alpha-thalassemia-mental retardation syndrome. Last evaluated: 2021-07-22. Review status: no assertion criteria provided. Collection method: clinical testing. Allele origin: germline. Not counted in ClinVar's aggregate classification.

NM_000489.6(ATRX):c.1A>G (p.Met1Val)

Genes: ATRX (ATRX chromatin remodeler; minus strand), LOC130068458 (ATAC-STARR-seq lymphoblastoid active region 29779; plus strand). Cytogenetic location: Xq21.1.
Variant type: single nucleotide variant.
Coding change: c.1A>G on transcript NM_000489.6 (MANE Select); coding-DNA position 1, A replaced by G.
Protein change: p.Met1Val; changes the start codon (methionine 1).
Molecular consequence: missense variant, initiator codon variant.
Genome position (GRCh38, 1-based): chrX:77,786,001, T>C on the plus strand (A>G on the coding strand, the complement: ATRX is on the minus strand). VCF-style: chrX-77786001-T-C. GRCh37 (hg19) VCF-style: chrX-77041487-T-C.
Other names: c.1A>G, p.Met1Val (NM_138270.5); short protein forms M1V.
Identifiers: ClinVar variation 1004977 (VCV001004977.15), dbSNP rs2076735328, ClinGen allele CA413706641.